The following is an entry in ClinVar:

ClinVar aggregate classification (germline): Uncertain significance. Review status: criteria provided, multiple submitters, no conflicts (2 of 4 stars). 3 submissions from 3 submitters: Uncertain significance (3). Last evaluated 2026-01-01.

Conditions:
Hereditary hyperekplexia. Identifiers: Orphanet 3197, MedGen C4084968, MONDO:0021022.
Inborn genetic diseases. Identifiers: MedGen C0950123, MeSH D030342.

Allele frequency attached by ClinVar (database versions not stated): ExAC 0.00003; TOPMed 0.00003; gnomAD 0.00004 and 0.00005; ESP Exome Variant Server 0.00008.
gnomAD v4.1: 27 of 1,613,918 alleles (0.0017%); highest among the groups gnomAD compares: Non-Finnish European, 0.0021%; no homozygotes.

Submissions (3):

CeGaT Center for Human Genetics Tuebingen
Classification: Uncertain significance. Last evaluated: 2026-01-01. Review status: criteria provided, single submitter. Criteria: CeGaT Center For Human Genetics Tuebingen Variant Classification Criteria Version 2. Collection method: clinical testing. Allele origin: germline. Affected: yes. Observed: 1 variant allele.
Comment: GLRA1: PM2, PP3

Labcorp Genetics (formerly Invitae), Labcorp
Classification: Uncertain significance for Hereditary hyperekplexia. Last evaluated: 2025-07-11. Review status: criteria provided, single submitter. Criteria: Invitae Variant Classification Sherloc (09022015). Collection method: clinical testing. Allele origin: germline.
Comment: This sequence change replaces arginine, which is basic and polar, with threonine, which is neutral and polar, at codon 347 of the GLRA1 protein (p.Arg347Thr). This variant is present in population databases (rs147156518, gnomAD 0.006%). This variant has not been reported in the literature in individuals affected with GLRA1-related conditions. ClinVar contains an entry for this variant (Variation ID: 844620). Invitae Evidence Modeling of protein sequence and biophysical properties (such as structural, functional, and spatial information, amino acid conservation, physicochemical variation, residue mobility, and thermodynamic stability) indicates that this missense variant is not expected to disrupt GLRA1 protein function with a negative predictive value of 80%. In summary, the available evidence is currently insufficient to determine the role of this variant in disease. Therefore, it has been classified as a Variant of Uncertain Significance.

Ambry Genetics
Classification: Uncertain significance for Inborn genetic diseases. Last evaluated: 2025-07-10. Review status: criteria provided, single submitter. Criteria: Ambry Variant Classification Scheme 2023. Collection method: clinical testing. Allele origin: germline.

NM_000171.4(GLRA1):c.1040G>C (p.Arg347Thr)

Gene: GLRA1 (glycine receptor alpha 1; minus strand). Cytogenetic location: 5q33.1.
Variant type: single nucleotide variant.
Coding change: c.1040G>C on transcript NM_000171.4 (MANE Select); coding-DNA position 1040, G replaced by C.
Protein change: p.Arg347Thr; replaces arginine 347 with threonine.
Molecular consequence: missense variant.
Genome position (GRCh38, 1-based): chr5:151,828,940, C>G on the plus strand (G>C on the coding strand, the complement: GLRA1 is on the minus strand). VCF-style: chr5-151828940-C-G. GRCh37 (hg19) VCF-style: chr5-151208501-C-G.
Other names: c.1040G>C, p.Arg347Thr (NM_001146040.2); c.791G>C, p.Arg264Thr (NM_001292000.2); short protein forms R264T, R347T.
Identifiers: ClinVar variation 844620 (VCV000844620.12), dbSNP rs147156518, ClinGen allele CA3523551.
Genomic context (GRCh38, chr5:151,828,940, plus strand): 5'-CTAACAGCTGTCCCTCCTTAGGCAGTGACCCAAAGGCCTACCTTGTGATGTCTCCGCTTC[C>G]TCCTGAATCGGAGCAGCTCCTTATGTTGCCGAGACACAAAGTTAACGGCAGCATATTCTA-3'
Protein context (NP_000162.2, residues 337-357): RQHKELLRFR[Arg347Thr]KRRHHKEDEA